The following is an entry in ClinVar:

NM_032043.3(BRIP1):c.1230_1251del (p.Thr411fs)

Gene: BRIP1 (BRCA1 interacting DNA helicase 1; minus strand). Cytogenetic location: 17q23.2.
Variant type: Deletion.
Coding change: c.1230_1251del on transcript NM_032043.3 (MANE Select); coding-DNA positions 1230 to 1251, 22 bases deleted (AACAGAAGTTCAGCTTCGGTTT).
Protein change: p.Thr411fs; shifts the reading frame from threonine 411.
Molecular consequence: frameshift variant.
Genome position (GRCh38, 1-based): chr17:61,799,189-61,799,210, AAACCGAAGCTGAACTTCTGTT deleted on the plus strand (AACAGAAGTTCAGCTTCGGTTT on the coding strand, the reverse complement: BRIP1 is on the minus strand); deleting any 22 consecutive bases within chr17:61,799,189-61,799,211 gives the same sequence; the c. name uses the placement nearest the transcript's 3' end. VCF-style (leftmost placement, unchanged base first): chr17-61799188-CAAACCGAAGCTGAACTTCTGTT-C. GRCh37 (hg19) VCF-style: chr17-59876549-CAAACCGAAGCTGAACTTCTGTT-C.
Other names: c.1230_1251del22 (NM_032043.2); short protein forms T411fs.
Identifiers: ClinVar variation 185737 (VCV000185737.5), dbSNP rs786202415, ClinGen allele CA192794.

ClinVar aggregate classification (germline): Pathogenic (1 of 4 stars; one submission).

Conditions:
Hereditary cancer-predisposing syndrome. Also called: Hereditary neoplastic syndrome; Neoplastic Syndromes, Hereditary; Tumor predisposition; Hereditary Cancer Syndrome. Identifiers: Orphanet 140162, MedGen C0027672, MeSH D009386, MONDO:0015356.

Submission:

Ambry Genetics
Classification: Pathogenic for Hereditary cancer-predisposing syndrome. Last evaluated: 2014-08-01. Review status: criteria provided, single submitter. Criteria: Ambry Variant Classification Scheme 2023. Collection method: clinical testing. Allele origin: germline.
Comment: The c.1230_1251del22 pathogenic mutation, located in coding exon 8 of the BRIP1 gene, results from a deletion of 22 nucleotides from positions 1230 to 1251, causing a translational frameshift with a predicted alternate stop codon (p.V410Vfs*6). Since frameshifts are typically deleterious in nature, this alteration is interpreted as a disease-causing mutation (ACMG Recommendations for Standards for Interpretation and Reporting of Sequence Variations. Revision 2007. Genet Med. 2008;10:294).